The following is an entry in ClinVar:

ClinVar aggregate classification (germline): Uncertain significance (1 of 4 stars; one submission).

Allele frequency attached by ClinVar (database versions not stated): gnomAD exomes below 0.00001.
gnomAD v4.1: 3 of 1,611,666 alleles (0.00019%); highest among the groups gnomAD compares: Non-Finnish European, 0.00025%; no homozygotes.

Submission:

GeneDx
Classification: Uncertain significance. Last evaluated: 2025-06-16. Review status: criteria provided, single submitter. Criteria: GeneDx Variant Classification Process June 2021. Collection method: clinical testing. Allele origin: germline. Affected: yes.
Comment: Reported in a cohort of individuals with neurodevelopmental disorders in published literature (PMID: 33004838); Not observed at significant frequency in large population cohorts (gnomAD); In silico analysis suggests that this missense variant does not alter protein structure/function; This variant is associated with the following publications: (PMID: 33004838)

NM_015100.4(POGZ):c.2248C>T (p.Arg750Trp)

Gene: POGZ (pogo transposable element derived with ZNF domain; minus strand). Cytogenetic location: 1q21.3.
Variant type: single nucleotide variant.
Coding change: c.2248C>T on transcript NM_015100.4 (MANE Select); coding-DNA position 2248, C replaced by T.
Protein change: p.Arg750Trp; replaces arginine 750 with tryptophan.
Molecular consequence: missense variant.
Genome position (GRCh38, 1-based): chr1:151,408,227, G>A on the plus strand (C>T on the coding strand, the complement: POGZ is on the minus strand). VCF-style: chr1-151408227-G-A. GRCh37 (hg19) VCF-style: chr1-151380703-G-A.
Other names: c.2221C>T, p.Arg741Trp (NM_001194937.2); c.2062C>T, p.Arg688Trp (NM_001194938.2); c.1963C>T, p.Arg655Trp (NM_145796.4); c.2089C>T, p.Arg697Trp (NM_207171.2); short protein forms R655W, R688W, R697W, R741W, R750W.
Identifiers: ClinVar variation 1311964 (VCV001311964.3), dbSNP rs1265236844, ClinGen allele CA341955800.